The following is an entry in ClinVar:

ClinVar aggregate classification (germline): Likely benign. Review status: criteria provided, multiple submitters, no conflicts (2 of 4 stars). 6 submissions from 6 submitters: Likely benign (6). Last evaluated 2025-10-05.

Conditions:
OTOG-related disorder. Also called: OTOG-related condition.

Allele frequency attached by ClinVar (database versions not stated): TOPMed 0.00049; ExAC 0.00052; gnomAD exomes 0.00080 and 0.00039; 1000 Genomes Project 30x 0.00016; 1000 Genomes Project 0.00020; gnomAD 0.00036 and 0.00040.
gnomAD v4.1: 1,169 of 1,550,446 alleles (0.075%); highest among the groups gnomAD compares: Non-Finnish European, 0.094%; 1 homozygote.

Submissions (6):

Labcorp Genetics (formerly Invitae), Labcorp
Classification: Likely benign. Last evaluated: 2025-10-05. Review status: criteria provided, single submitter. Criteria: Invitae Variant Classification Sherloc (09022015). Collection method: clinical testing. Allele origin: germline.

PreventionGenetics, part of Exact Sciences
Classification: Likely benign for OTOG-related condition. Last evaluated: 2025-04-09. Review status: criteria provided, single submitter. Criteria: ACMG Guidelines, 2015. Collection method: clinical testing. Allele origin: germline.
Comment: This variant is classified as likely benign based on ACMG/AMP sequence variant interpretation guidelines (Richards et al. 2015 PMID: 25741868, with internal and published modifications).

Blueprint Genetics
Classification: Likely benign. Last evaluated: 2024-10-29. Review status: criteria provided, single submitter. Criteria: ACMG Guidelines, 2015. Collection method: clinical testing. Allele origin: germline.

CeGaT Center for Human Genetics Tuebingen
Classification: Likely benign. Last evaluated: 2024-07-01. Review status: criteria provided, single submitter. Criteria: CeGaT Center For Human Genetics Tuebingen Variant Classification Criteria Version 2. Collection method: clinical testing. Allele origin: germline. Affected: yes. Observed: 1 variant allele.
Comment: OTOG: BP4, BP7

GeneDx
Classification: Likely benign. Last evaluated: 2021-05-19. Review status: criteria provided, single submitter. Criteria: GeneDx Variant Classification Process June 2021. Collection method: clinical testing. Allele origin: germline. Affected: yes.

Laboratory for Molecular Medicine, Mass General Brigham Personalized Medicine
Classification: Likely benign. Last evaluated: 2017-05-02. Review status: criteria provided, single submitter. Criteria: LMM Criteria. Collection method: clinical testing. Allele origin: germline. Observed: 1 variant allele.
Comment: p.Pro2634Pro in exon 47 of OTOG: This variant is not expected to have clinical s ignificance because it does not alter an amino acid residue and is not located w ithin the splice consensus sequence. It has been identified in 44/66806 European chromosomes by the Genome Aggregation Database (gnomAD; dbSNP rs200566292).

NM_001292063.2(OTOG):c.7866C>T (p.Pro2622=)

Gene: OTOG (otogelin; plus strand). Cytogenetic location: 11p15.1.
Variant type: single nucleotide variant.
Coding change: c.7866C>T on transcript NM_001292063.2 (MANE Select); coding-DNA position 7866, C replaced by T.
Protein change: p.Pro2622=; no amino-acid change (proline 2622 retained).
Molecular consequence: synonymous variant.
Genome position (GRCh38, 1-based): chr11:17,638,521, C>T. VCF-style: chr11-17638521-C-T. GRCh37 (hg19) VCF-style: chr11-17660068-C-T.
Other names: c.7902C>T, p.Pro2634= (NM_001277269.2).
Identifiers: ClinVar variation 505763 (VCV000505763.35), dbSNP rs200566292, ClinGen allele CA5906181.